The following is an entry in ClinVar:

NM_000528.4(MAN2B1):c.2736G>C (p.Met912Ile)

Genes: MAN2B1 (mannosidase alpha class 2B member 1; minus strand), LOC130063648 (ATAC-STARR-seq lymphoblastoid active region 14063; plus strand). Cytogenetic location: 19p13.13.
Variant type: single nucleotide variant.
Coding change: c.2736G>C on transcript NM_000528.4 (MANE Select); coding-DNA position 2736, G replaced by C.
Protein change: p.Met912Ile; replaces methionine 912 with isoleucine.
Molecular consequence: missense variant.
Genome position (GRCh38, 1-based): chr19:12,647,527, C>G on the plus strand (G>C on the coding strand, the complement: MAN2B1 is on the minus strand). VCF-style: chr19-12647527-C-G. GRCh37 (hg19) VCF-style: chr19-12758341-C-G.
Other names: c.2733G>C, p.Met911Ile (NM_001173498.2); short protein forms M912I, M911I.
Identifiers: ClinVar variation 2995667 (VCV002995667.3), dbSNP rs1275680526, ClinGen allele CA404237967.
Genomic context (GRCh38, chr19:12,647,527, plus strand): 5'-GCTCAGGTTACGTCCGGAATCCTCTCCTACGGCAAACTGGTGCTCCAAGCGCAGCAGCAC[C>G]ATTTCGGGGCCCCAGCTGGCCAGCGTGAGCAGGTGCACCGAGGGCGGCAGGTCCCTGCGC-3'
Protein context (NP_000519.2, residues 902-922): LLTLASWGPE[Met912Ile]VLLRLEHQFA

ClinVar aggregate classification (germline): Uncertain significance (1 of 4 stars; one submission).

Conditions:
Deficiency of alpha-mannosidase (MANSA). Also called: Alpha-Mannosidosis; Mannosidosis, alpha-, types I and II; LYSOSOMAL ALPHA-D-MANNOSIDASE DEFICIENCY. Identifiers: Orphanet 61, MedGen C0024748, MONDO:0009561, OMIM 248500.

Allele frequency attached by ClinVar (database versions not stated): TOPMed below 0.00001; gnomAD 0.00001.
gnomAD v4.1: 1 of 1,614,102 alleles (0.000062%); highest among the groups gnomAD compares: Non-Finnish European, 0.000085%; no homozygotes.

Submission:

Labcorp Genetics (formerly Invitae), Labcorp
Classification: Uncertain significance for Deficiency of alpha-mannosidase. Last evaluated: 2022-11-23. Review status: criteria provided, single submitter. Criteria: Invitae Variant Classification Sherloc (09022015). Collection method: clinical testing. Allele origin: germline.
Comment: This variant is not present in population databases (gnomAD no frequency). In summary, the available evidence is currently insufficient to determine the role of this variant in disease. Therefore, it has been classified as a Variant of Uncertain Significance. Advanced modeling of protein sequence and biophysical properties (such as structural, functional, and spatial information, amino acid conservation, physicochemical variation, residue mobility, and thermodynamic stability) performed at Invitae indicates that this missense variant is not expected to disrupt MAN2B1 protein function. This variant has not been reported in the literature in individuals affected with MAN2B1-related conditions. This sequence change replaces methionine, which is neutral and non-polar, with isoleucine, which is neutral and non-polar, at codon 912 of the MAN2B1 protein (p.Met912Ile).